The following is an entry in ClinVar:

NM_024334.3(TMEM43):c.1136T>C (p.Ile379Thr)

Gene: TMEM43 (transmembrane protein 43; plus strand). Cytogenetic location: 3p25.1.
Variant type: single nucleotide variant.
Coding change: c.1136T>C on transcript NM_024334.3 (MANE Select); coding-DNA position 1136, T replaced by C.
Protein change: p.Ile379Thr; replaces isoleucine 379 with threonine.
Molecular consequence: missense variant.
Genome position (GRCh38, 1-based): chr3:14,141,728, T>C. VCF-style: chr3-14141728-T-C. GRCh37 (hg19) VCF-style: chr3-14183228-T-C.
Other names: c.1139T>C, p.Ile380Thr (NM_001407274.1); c.1133T>C, p.Ile378Thr (NM_001407275.1, NM_001407276.1); c.1130T>C, p.Ile377Thr (NM_001407277.1); c.1121T>C, p.Ile374Thr (NM_001407278.1); c.1061T>C, p.Ile354Thr (NM_001407279.1); c.986T>C, p.Ile329Thr (NM_001407280.1); short protein forms I379T, I329T, I377T, I354T, I374T, I378T, I380T.
Identifiers: ClinVar variation 2586485 (VCV002586485.2), dbSNP rs2470201496, ClinGen allele CA351536604.

ClinVar aggregate classification (germline): Uncertain significance (1 of 4 stars; one submission).

Conditions:
Cardiovascular phenotype. Identifiers: MedGen CN230736.

Submission:

Ambry Genetics
Classification: Uncertain significance for Cardiovascular phenotype. Last evaluated: 2023-07-13. Review status: criteria provided, single submitter. Criteria: Ambry Variant Classification Scheme 2023. Collection method: clinical testing. Allele origin: germline.
Comment: The p.I379T variant (also known as c.1136T>C), located in coding exon 12 of the TMEM43 gene, results from a T to C substitution at nucleotide position 1136. The isoleucine at codon 379 is replaced by threonine, an amino acid with similar properties. This amino acid position is conserved. In addition, this alteration is predicted to be tolerated by in silico analysis. Since supporting evidence is limited at this time, the clinical significance of this alteration remains unclear.